The following is an entry in ClinVar:

ClinVar aggregate classification (germline): Pathogenic (1 of 4 stars; one submission).

Submission:

Labcorp Genetics (formerly Invitae), Labcorp
Classification: Pathogenic. Last evaluated: 2019-05-01. Review status: criteria provided, single submitter. Criteria: Invitae Variant Classification Sherloc (09022015). Collection method: clinical testing. Allele origin: germline.
Comment: A gross deletion of the genomic region encompassing the full coding sequence of the CYP11B1 gene has been identified. The boundaries of this event are unknown as the deletion extends beyond the assayed region for this gene and therefore may encompass additional genes. This variant has not been reported in the literature in individuals with CYP11B1-related conditions. Loss-of-function variants in CYP11B1 are known to be pathogenic (PMID: 8506298, 26476331). For these reasons, this variant has been classified as Pathogenic.

NC_000008.11:g.(?_142874363)_(142918184_?)del

Genes: CYP11B1 (cytochrome P450 family 11 subfamily B member 1; minus strand), CYP11B2 (cytochrome P450 family 11 subfamily B member 2; minus strand). Cytogenetic location: 8q24.3.
Variant type: Deletion.
Identifiers: ClinVar variation 830846 (VCV000830846.1).